The following is an entry in ClinVar:

NM_006904.7(PRKDC):c.6533G>A (p.Gly2178Glu)

Gene: PRKDC (protein kinase, DNA-activated, catalytic subunit; minus strand). Cytogenetic location: 8q11.21.
Variant type: single nucleotide variant.
Coding change: c.6533G>A on transcript NM_006904.7 (MANE Select); coding-DNA position 6533, G replaced by A.
Protein change: p.Gly2178Glu; replaces glycine 2178 with glutamic acid.
Molecular consequence: missense variant.
Genome position (GRCh38, 1-based): chr8:47,857,232, C>T on the plus strand (G>A on the coding strand, the complement: PRKDC is on the minus strand). VCF-style: chr8-47857232-C-T. GRCh37 (hg19) VCF-style: chr8-48769793-C-T.
Other names: c.6533G>A, p.Gly2178Glu (NM_001081640.2); short protein forms G2178E.
Identifiers: ClinVar variation 1410781 (VCV001410781.6), dbSNP rs2154500489, ClinGen allele CA371160129.

ClinVar aggregate classification (germline): Uncertain significance (1 of 4 stars; one submission).

Conditions:
Severe combined immunodeficiency due to DNA-PKcs deficiency. Also called: IMMUNODEFICIENCY 26 WITH NEUROLOGIC ABNORMALITIES; Immunodeficiency 26 with or without neurologic abnormalities. Identifiers: Orphanet 317425, MedGen C4014833, MONDO:0014423, OMIM 615966.

Submission:

Labcorp Genetics (formerly Invitae), Labcorp
Classification: Uncertain significance for Severe combined immunodeficiency due to DNA-PKcs deficiency. Last evaluated: 2021-08-11. Review status: criteria provided, single submitter. Criteria: Invitae Variant Classification Sherloc (09022015). Collection method: clinical testing. Allele origin: germline.
Comment: In summary, the available evidence is currently insufficient to determine the role of this variant in disease. Therefore, it has been classified as a Variant of Uncertain Significance. Experimental studies and prediction algorithms are not available or were not evaluated, and the functional significance of this variant is currently unknown. This variant has not been reported in the literature in individuals affected with PRKDC-related conditions. This variant is not present in population databases (ExAC no frequency). This sequence change replaces glycine with glutamic acid at codon 2178 of the PRKDC protein (p.Gly2178Glu). The glycine residue is moderately conserved and there is a moderate physicochemical difference between glycine and glutamic acid.